The following is an entry in ClinVar:

ClinVar aggregate classification (germline): Uncertain significance (1 of 4 stars; one submission).

gnomAD v4.1: 1 of 1,614,056 alleles (0.000062%); no homozygotes.

Submission:

GeneDx
Classification: Uncertain significance. Last evaluated: 2024-12-31. Review status: criteria provided, single submitter. Criteria: GeneDx Variant Classification Process June 2021. Collection method: clinical testing. Allele origin: germline. Affected: yes.
Comment: Not observed at significant frequency in large population cohorts (gnomAD); In silico analysis supports that this missense variant has a deleterious effect on protein structure/function; Has not been previously published as pathogenic or benign to our knowledge

NM_015557.3(CHD5):c.751G>A (p.Gly251Arg)

Gene: CHD5 (chromodomain helicase DNA binding protein 5; minus strand). Cytogenetic location: 1p36.31.
Variant type: single nucleotide variant.
Coding change: c.751G>A on transcript NM_015557.3 (MANE Select); coding-DNA position 751, G replaced by A.
Protein change: p.Gly251Arg; replaces glycine 251 with arginine.
Molecular consequence: missense variant.
Genome position (GRCh38, 1-based): chr1:6,152,531, C>T on the plus strand (G>A on the coding strand, the complement: CHD5 is on the minus strand). VCF-style: chr1-6152531-C-T. GRCh37 (hg19) VCF-style: chr1-6212591-C-T.
Other names: short protein forms G251R.
Identifiers: ClinVar variation 4055941 (VCV004055941.1).
Genomic context (GRCh38, chr1:6,152,531, plus strand): 5'-TCTTTTTCCCTTTGCCCTTTTTCTTCCCATCTTTGGAGCCTTTGATCTTCTTCCTCACTC[C>T]AGGCCCTGAAAAACAGCAGTGATGATAGCCAACCACTGCCACCACTGACGGCCTGCTTCC-3'
Protein context (NP_056372.1, residues 241-261): KAKTKEGKGP[Gly251Arg]VRKKIKGSKD